The following is an entry in ClinVar:

NM_005909.5(MAP1B):c.5978A>G (p.Asp1993Gly)

Gene: MAP1B (microtubule associated protein 1B; plus strand). Cytogenetic location: 5q13.2.
Variant type: single nucleotide variant.
Coding change: c.5978A>G on transcript NM_005909.5 (MANE Select); coding-DNA position 5978, A replaced by G.
Protein change: p.Asp1993Gly; replaces aspartic acid 1993 with glycine.
Molecular consequence: missense variant.
Genome position (GRCh38, 1-based): chr5:72,199,333, A>G. VCF-style: chr5-72199333-A-G. GRCh37 (hg19) VCF-style: chr5-71495160-A-G.
Other names: c.5600A>G, p.Asp1867Gly (NM_001324255.2); short protein forms D1867G, D1993G.
Identifiers: ClinVar variation 3542619 (VCV003542619.11).

ClinVar aggregate classification (germline): Uncertain significance. Review status: criteria provided, multiple submitters, no conflicts (2 of 4 stars). 2 submissions from 2 submitters: Uncertain significance (2). Last evaluated 2025-05-01.

Conditions:
Inborn genetic diseases. Identifiers: MedGen C0950123, MeSH D030342.

gnomAD v4.1: 6 of 1,613,976 alleles (0.00037%); highest among the groups gnomAD compares: Admixed American, 0.01%; no homozygotes.

Submissions (2):

CeGaT Center for Human Genetics Tuebingen
Classification: Uncertain significance. Last evaluated: 2025-05-01. Review status: criteria provided, single submitter. Criteria: CeGaT Center For Human Genetics Tuebingen Variant Classification Criteria Version 2. Collection method: clinical testing. Allele origin: germline. Affected: yes. Observed: 1 variant allele.
Comment: MAP1B: PM2:Supporting, BP4

Ambry Genetics
Classification: Uncertain significance for Inborn genetic diseases. Last evaluated: 2024-10-29. Review status: criteria provided, single submitter. Criteria: Ambry Variant Classification Scheme 2023. Collection method: clinical testing. Allele origin: germline.